The following is an entry in ClinVar:

ClinVar aggregate classification (germline): Uncertain significance (1 of 4 stars; one submission).

Conditions:
RYR1-related disorder. Also called: RYR1-related condition; RYR1-related disorders. Identifiers: MedGen CN239331.

Submission:

Labcorp Genetics (formerly Invitae), Labcorp
Classification: Uncertain significance for RYR1-related disorder. Last evaluated: 2024-02-05. Review status: criteria provided, single submitter. Criteria: Invitae Variant Classification Sherloc (09022015). Collection method: clinical testing. Allele origin: germline.
Comment: This sequence change replaces alanine, which is neutral and non-polar, with proline, which is neutral and non-polar, at codon 676 of the RYR1 protein (p.Ala676Pro). This variant is not present in population databases (gnomAD no frequency). This variant has not been reported in the literature in individuals affected with RYR1-related conditions. ClinVar contains an entry for this variant (Variation ID: 478208). Advanced modeling of protein sequence and biophysical properties (such as structural, functional, and spatial information, amino acid conservation, physicochemical variation, residue mobility, and thermodynamic stability) has been performed at Invitae for this missense variant, however the output from this modeling did not meet the statistical confidence thresholds required to predict the impact of this variant on RYR1 protein function. In summary, the available evidence is currently insufficient to determine the role of this variant in disease. Therefore, it has been classified as a Variant of Uncertain Significance.

NM_000540.3(RYR1):c.2026G>C (p.Ala676Pro)

Gene: RYR1 (ryanodine receptor 1; plus strand). Cytogenetic location: 19q13.2.
Variant type: single nucleotide variant.
Coding change: c.2026G>C on transcript NM_000540.3 (MANE Select); coding-DNA position 2026, G replaced by C.
Protein change: p.Ala676Pro; replaces alanine 676 with proline.
Molecular consequence: missense variant.
Genome position (GRCh38, 1-based): chr19:38,458,151, G>C. VCF-style: chr19-38458151-G-C. GRCh37 (hg19) VCF-style: chr19-38948791-G-C.
Other names: c.2026G>C, p.Ala676Pro (NM_001042723.2); short protein forms A676P.
Identifiers: ClinVar variation 478208 (VCV000478208.8), dbSNP rs1555769850, ClinGen allele CA405696363.
Genomic context (GRCh38, chr19:38,458,151, plus strand): 5'-ACGCAGTACAGCAAATGGTACTTTGAGGTGATGGTGGACGAGGTGACTCCATTTCTGACA[G>C]CTCAGGCCACCCACTTGCGGGTGGGCTGGGCCCTCACCGAGGGCTACACCCCCTACCCTG-3'
Protein context (NP_000531.2, residues 666-686): MVDEVTPFLT[Ala676Pro]QATHLRVGWA